The following is an entry in ClinVar:

ClinVar aggregate classification (germline): Benign/Likely benign. Review status: criteria provided, multiple submitters, no conflicts (2 of 4 stars). 2 submissions from 2 submitters: Benign (1); Likely benign (1). Last evaluated 2024-06-05.

Conditions:
Familial cancer of breast. Also called: Hereditary breast cancer; hereditary breast carcinoma; BREAST CANCER, FAMILIAL. Identifiers: Orphanet 227535, MedGen C0346153, MONDO:0016419, OMIM 114480. Disease mechanism: loss of function.
Hereditary cancer-predisposing syndrome. Also called: Hereditary neoplastic syndrome; Neoplastic Syndromes, Hereditary; Tumor predisposition; Hereditary Cancer Syndrome. Identifiers: Orphanet 140162, MedGen C0027672, MeSH D009386, MONDO:0015356.

Submissions (2):

Myriad Genetics, Inc.
Classification: Benign for Familial cancer of breast. Last evaluated: 2024-06-05. Review status: criteria provided, single submitter. Criteria: Myriad Autosomal Dominant, Autosomal Recessive and X-Linked Classification Criteria (2023). Collection method: clinical testing. Allele origin: unknown.
Comment: This variant is considered benign. This variant is a silent/synonymous amino acid change and it is not expected to impact splicing.

Ambry Genetics
Classification: Likely benign for Hereditary cancer-predisposing syndrome. Last evaluated: 2021-10-02. Review status: criteria provided, single submitter. Criteria: Ambry Variant Classification Scheme 2023. Collection method: clinical testing. Allele origin: germline.

NM_000051.4(ATM):c.6249A>G (p.Gly2083=)

Genes: C11orf65 (chromosome 11 open reading frame 65; minus strand), ATM (ATM serine/threonine kinase; plus strand). Cytogenetic location: 11q22.3.
Variant type: single nucleotide variant.
Coding change: c.6249A>G on transcript NM_000051.4 (MANE Select); coding-DNA position 6249, A replaced by G.
Protein change: p.Gly2083=; no amino-acid change (glycine 2083 retained).
Molecular consequence: synonymous variant. On other transcripts: intron variant (2).
Genome position (GRCh38, 1-based): chr11:108,317,423, A>G. VCF-style: chr11-108317423-A-G. GRCh37 (hg19) VCF-style: chr11-108188150-A-G.
Other names: c.6249A>G, p.Gly2083= (NM_001351834.2); c.641-8352T>C (NM_001330368.2); c.*39-8352T>C (NM_001351110.2).
Identifiers: ClinVar variation 1752413 (VCV001752413.3), dbSNP rs2547114485, ClinGen allele CA476675982.